The following is an entry in ClinVar:

NM_000038.6(APC):c.6346C>A (p.His2116Asn)

Gene: APC (APC regulator of Wnt signaling pathway; plus strand). Cytogenetic location: 5q22.2.
Variant type: single nucleotide variant.
Coding change: c.6346C>A on transcript NM_000038.6 (MANE Select); coding-DNA position 6346, C replaced by A.
Protein change: p.His2116Asn; replaces histidine 2116 with asparagine.
Molecular consequence: missense variant. On other transcripts: non-coding transcript variant (2).
Genome position (GRCh38, 1-based): chr5:112,841,940, C>A. VCF-style: chr5-112841940-C-A. GRCh37 (hg19) VCF-style: chr5-112177637-C-A.
Other names: c.6043C>A, p.His2015Asn (NM_001407459.1, NM_001407460.1, NM_001354903.2 and 1 more transcripts); c.5959C>A, p.His1987Asn (NM_001407467.1, NM_001407469.1); c.5497C>A, p.His1833Asn (NM_001407470.1, NM_001354906.2); c.5194C>A, p.His1732Asn (NM_001407471.1, NM_001407472.1); c.6346C>A, p.His2116Asn (NM_001127510.3, NM_001354895.2, NM_001407450.1); c.6292C>A, p.His2098Asn (NM_001127511.3); c.6400C>A, p.His2134Asn (NM_001354896.2, NM_001407447.1, NM_001407448.1 and 1 more transcripts); c.6376C>A, p.His2126Asn (NM_001354897.2); and 11 more; short protein forms H1956N, H2033N, H2134N, H1833N, H2015N, H2126N, H2057N, H2106N.
Identifiers: ClinVar variation 2452709 (VCV002452709.2), dbSNP rs1274567443, ClinGen allele CA16035230.

ClinVar aggregate classification (germline): Uncertain significance (1 of 4 stars; one submission).

Conditions:
Hereditary cancer-predisposing syndrome. Also called: Neoplastic Syndromes, Hereditary; Tumor predisposition; Hereditary neoplastic syndrome; Hereditary Cancer Syndrome. Identifiers: Orphanet 140162, MedGen C0027672, MeSH D009386, MONDO:0015356.

Submission:

Ambry Genetics
Classification: Uncertain significance for Hereditary cancer-predisposing syndrome. Last evaluated: 2022-12-22. Review status: criteria provided, single submitter. Criteria: Ambry Variant Classification Scheme 2023. Collection method: clinical testing. Allele origin: germline.
Comment: The p.H2116N variant (also known as c.6346C>A), located in coding exon 15 of the APC gene, results from a C to A substitution at nucleotide position 6346. The histidine at codon 2116 is replaced by asparagine, an amino acid with similar properties. This amino acid position is conserved. In addition, in silico predictors for this gene do not accurately predict pathogenicity. Since supporting evidence is limited at this time, the clinical significance of this alteration remains unclear.